The following is an entry in ClinVar:

ClinVar aggregate classification (germline): Benign. Review status: criteria provided, multiple submitters, no conflicts (2 of 4 stars). 3 submissions from 3 submitters: Benign (2). 1 of the submissions does not count toward it. Last evaluated 2019-12-31.

Conditions:
HBD-related disorder. Also called: HBD-related condition; HBD-Related Disorders.

Allele frequency attached by ClinVar (database versions not stated): gnomAD exomes 0.00415; ExAC 0.00434; gnomAD 0.00761 and 0.00797; 1000 Genomes Project 0.00819; TOPMed 0.00822; ESP Exome Variant Server 0.00823; 1000 Genomes Project 30x 0.00906.

Submissions (3):

Labcorp Genetics (formerly Invitae), Labcorp
Classification: Benign. Last evaluated: 2019-12-31. Review status: criteria provided, single submitter. Criteria: Invitae Variant Classification Sherloc (09022015). Collection method: clinical testing. Allele origin: germline.

Breakthrough Genomics
Classification: Benign. Review status: criteria provided, single submitter. Criteria: ACMG Guidelines, 2015. Collection method: not provided. Allele origin: germline. Inheritance: Unknown mechanism. Affected: yes.

PreventionGenetics, part of Exact Sciences
Classification: Benign for HBD-related condition. Last evaluated: 2019-04-05. Review status: no assertion criteria provided. Collection method: clinical testing. Allele origin: germline. Not counted in ClinVar's aggregate classification.
Comment: This variant is classified as benign based on ACMG/AMP sequence variant interpretation guidelines (Richards et al. 2015 PMID: 25741868, with internal and published modifications).

NM_000519.4(HBD):c.294C>T (p.His98=)

Genes: HBD (hemoglobin subunit delta; minus strand), LOC106099063 (HBD recombination region; plus strand). Cytogenetic location: 11p15.4.
Variant type: single nucleotide variant.
Coding change: c.294C>T on transcript NM_000519.4 (MANE Select); coding-DNA position 294, C replaced by T.
Protein change: p.His98=; no amino-acid change (histidine 98 retained).
Molecular consequence: synonymous variant.
Genome position (GRCh38, 1-based): chr11:5,234,012, G>A on the plus strand (C>T on the coding strand, the complement: HBD is on the minus strand). VCF-style: chr11-5234012-G-A. GRCh37 (hg19) VCF-style: chr11-5255242-G-A.
Identifiers: ClinVar variation 708948 (VCV000708948.7), dbSNP rs61746501, ClinGen allele CA5839929.